The following is an entry in ClinVar:

NM_018398.3(CACNA2D3):c.674C>T (p.Pro225Leu)

Gene: CACNA2D3 (calcium voltage-gated channel auxiliary subunit alpha2delta 3; plus strand). Cytogenetic location: 3p14.3.
Variant type: single nucleotide variant.
Coding change: c.674C>T on transcript NM_018398.3 (MANE Select); coding-DNA position 674, C replaced by T.
Protein change: p.Pro225Leu; replaces proline 225 with leucine.
Molecular consequence: missense variant.
Genome position (GRCh38, 1-based): chr3:54,562,929, C>T. VCF-style: chr3-54562929-C-T. GRCh37 (hg19) VCF-style: chr3-54596956-C-T.
Other names: short protein forms P225L.
Identifiers: ClinVar variation 5001411 (VCV005001411.1).

ClinVar aggregate classification (germline): Uncertain significance (1 of 4 stars; one submission).

Conditions:
CACNA2D3-related disorder. Also called: CACNA2D3-related condition.

gnomAD v4.1: 5 of 1,612,822 alleles (0.00031%); highest among the groups gnomAD compares: South Asian, 0.0011%; no homozygotes.

Submission:

PreventionGenetics, part of Exact Sciences
Classification: Uncertain significance for CACNA2D3-related condition. Last evaluated: 2024-12-22. Review status: criteria provided, single submitter. Criteria: ACMG Guidelines, 2015. Collection method: clinical testing. Allele origin: germline.
Comment: The CACNA2D3 c.674C>T variant is predicted to result in the amino acid substitution p.Pro225Leu. To our knowledge, this variant has not been reported in the literature. This variant is reported in 0.0033% of alleles in individuals of South Asian descent in gnomAD. At this time, the clinical significance of this variant is uncertain due to the absence of conclusive functional and genetic evidence.